The following is an entry in ClinVar:

ClinVar aggregate classification (germline): Pathogenic (1 of 4 stars; one submission).

Conditions:
X-linked lymphoproliferative disease due to SH2D1A deficiency (XLP1). Also called: PURTILO SYNDROME; EBV infection severe susceptibility to; Epstein Barr virus infection familial fatal; Duncan's syndrome; SH2D1A-Related Lymphoproliferative Disease, X-Linked; INFECTIOUS MONONUCLEOSIS, SEVERE, SUSCEPTIBILITY TO. Identifiers: Orphanet 2442, Orphanet 538931, MedGen C5399825, MONDO:0024551, OMIM 308240.

Submission:

Labcorp Genetics (formerly Invitae), Labcorp
Classification: Pathogenic for Lymphoproliferative syndrome 1, X-linked. Last evaluated: 2018-07-16. Review status: criteria provided, single submitter. Criteria: Invitae Variant Classification Sherloc (09022015). Collection method: clinical testing. Allele origin: germline.
Comment: A gross deletion of the genomic region encompassing the full coding sequence of the SH2D1A gene has been identified. The boundaries of this event are unknown as the deletion extends beyond the assayed region for this gene and therefore may encompass additional genes. A similar whole gene deletion has been reported in several individuals affected with X-linked lymphoproliferative syndrome (PMID: 23829589, 10598819). Loss-of-function variants in SH2D1A are known to be pathogenic (PMID: 9771704, 11049992, 15711562). For these reasons, this variant has been classified as Pathogenic.

Literature cited by the submitters: PubMed 23829589; PubMed 10598819.

NC_000023.11:g.(?_124346297)_(124371411_?)del

Gene: SH2D1A (SH2 domain containing 1A; plus strand). Cytogenetic location: Xq25.
Variant type: Deletion.
Identifiers: ClinVar variation 583520 (VCV000583520.2).